The following is an entry in ClinVar:

ClinVar aggregate classification (germline): Uncertain significance (1 of 4 stars; one submission).

Allele frequency attached by ClinVar (database versions not stated): TOPMed below 0.00001.
gnomAD v4.1: 5 of 1,608,114 alleles (0.00031%); no homozygotes.

Submission:

Labcorp Genetics (formerly Invitae), Labcorp
Classification: Uncertain significance. Last evaluated: 2022-06-28. Review status: criteria provided, single submitter. Criteria: Invitae Variant Classification Sherloc (09022015). Collection method: clinical testing. Allele origin: germline.
Comment: In summary, the available evidence is currently insufficient to determine the role of this variant in disease. Therefore, it has been classified as a Variant of Uncertain Significance. Algorithms developed to predict the effect of missense changes on protein structure and function are either unavailable or do not agree on the potential impact of this missense change (SIFT: "Deleterious"; PolyPhen-2: "Probably Damaging"; Align-GVGD: "Class C0"). This variant has not been reported in the literature in individuals affected with DZIP1L-related conditions. This variant is not present in population databases (gnomAD no frequency). This sequence change replaces glutamine, which is neutral and polar, with histidine, which is basic and polar, at codon 132 of the DZIP1L protein (p.Gln132His).

NM_173543.3(DZIP1L):c.396G>C (p.Gln132His)

Gene: DZIP1L (DAZ interacting zinc finger protein 1 like; minus strand). Cytogenetic location: 3q22.3.
Variant type: single nucleotide variant.
Coding change: c.396G>C on transcript NM_173543.3 (MANE Select); coding-DNA position 396, G replaced by C.
Protein change: p.Gln132His; replaces glutamine 132 with histidine.
Molecular consequence: missense variant.
Genome position (GRCh38, 1-based): chr3:138,103,576, C>G on the plus strand (G>C on the coding strand, the complement: DZIP1L is on the minus strand). VCF-style: chr3-138103576-C-G. GRCh37 (hg19) VCF-style: chr3-137822418-C-G.
Other names: c.396G>C, p.Gln132His (NM_001170538.1); short protein forms Q132H.
Identifiers: ClinVar variation 2418222 (VCV002418222.6), dbSNP rs2042389567, ClinGen allele CA354681276.